The following is an entry in ClinVar:

NM_152594.3(SPRED1):c.424-5A>G

Gene: SPRED1 (sprouty related EVH1 domain containing 1; plus strand). Cytogenetic location: 15q14.
Variant type: single nucleotide variant.
Coding change: c.424-5A>G on transcript NM_152594.3 (MANE Select); 5 bases into the intron before coding-DNA position 424, A replaced by G.
Molecular consequence: intron variant.
Genome position (GRCh38, 1-based): chr15:38,339,732, A>G. VCF-style: chr15-38339732-A-G. GRCh37 (hg19) VCF-style: chr15-38631933-A-G.
Identifiers: ClinVar variation 506274 (VCV000506274.14), dbSNP rs752656697, ClinGen allele CA7470088.
Genomic context (GRCh38, chr15:38,339,732, plus strand): 5'-TCTTATTTTGTGGTGGTGGTGGTTTTTATTCTGGCAACTAATGCATTGAGGGTTGTTCCC[A>G]ATAGGCAAATGAAGAGGATTCTTCCAGTTCTCTAGTGAAGGATCACCTTTTTCAGCAAGA-3'

ClinVar aggregate classification (germline): Conflicting classifications of pathogenicity. Review status: criteria provided, conflicting classifications (1 of 4 stars). 2 submissions from 2 submitters: Uncertain significance (1); Likely benign (1). Last evaluated 2025-10-21.

Conditions:
Legius syndrome. Identifiers: Orphanet 137605, MedGen C1969623, MONDO:0012669, OMIM 611431. Disease mechanism: loss of function.

Allele frequency attached by ClinVar (database versions not stated): gnomAD exomes below 0.00001; ExAC 0.00001; TOPMed 0.00002; gnomAD 0.00003 and 0.00004.
gnomAD v4.1: 9 of 1,613,548 alleles (0.00056%); highest among the groups gnomAD compares: African/African-American, 0.012%; no homozygotes.

Submissions (2):

Labcorp Genetics (formerly Invitae), Labcorp
Classification: Likely benign for Legius syndrome. Last evaluated: 2025-10-21. Review status: criteria provided, single submitter. Criteria: Invitae Variant Classification Sherloc (09022015). Collection method: clinical testing. Allele origin: germline.

Laboratory for Molecular Medicine, Mass General Brigham Personalized Medicine
Classification: Uncertain significance. Last evaluated: 2018-01-17. Review status: criteria provided, single submitter. Criteria: LMM Criteria. Collection method: clinical testing. Allele origin: germline. Observed: 1 variant allele.
Comment: The c.424-5A>G variant in SPRED1 has not been previously reported in individuals with clinical features of RASopathy, but has been identified in 3/24030 African chromosomes by the Genome Aggregation Database (gnomAD; dbSNP rs752656697). This variant is located in the 3' splice region. Computational tools do not suggest an impact to splicing. However, this informat ion is not predictive enough to rule out pathogenicity. In summary, the clinical significance of the c.424-5A>G variant is uncertain. ACMG/AMP Criteria applied: BP7.